The following is an entry in ClinVar:

ClinVar aggregate classification (germline): Uncertain significance (1 of 4 stars; one submission).

Conditions:
Hereditary cancer-predisposing syndrome. Also called: Tumor predisposition; Neoplastic Syndromes, Hereditary; Hereditary neoplastic syndrome; Hereditary Cancer Syndrome. Identifiers: Orphanet 140162, MedGen C0027672, MeSH D009386, MONDO:0015356.

Submission:

Ambry Genetics
Classification: Uncertain significance for Hereditary cancer-predisposing syndrome. Last evaluated: 2024-07-13. Review status: criteria provided, single submitter. Criteria: Ambry Variant Classification Scheme 2023. Collection method: clinical testing. Allele origin: germline.
Comment: The p.R1344S variant (also known as c.4032G>T), located in coding exon 20 of the BLM gene, results from a G to T substitution at nucleotide position 4032. The arginine at codon 1344 is replaced by serine, an amino acid with dissimilar properties. This amino acid position is conserved. In addition, this alteration is predicted to be tolerated by in silico analysis. Based on the available evidence, the clinical significance of this variant remains unclear.

NM_000057.4(BLM):c.4032G>T (p.Arg1344Ser)

Gene: BLM (BLM RecQ like helicase; plus strand). Cytogenetic location: 15q26.1.
Variant type: single nucleotide variant.
Coding change: c.4032G>T on transcript NM_000057.4 (MANE Select); coding-DNA position 4032, G replaced by T.
Protein change: p.Arg1344Ser; replaces arginine 1344 with serine.
Molecular consequence: missense variant.
Genome position (GRCh38, 1-based): chr15:90,811,362, G>T. VCF-style: chr15-90811362-G-T. GRCh37 (hg19) VCF-style: chr15-91354592-G-T.
Other names: c.4032G>T, p.Arg1344Ser (NM_001287246.2); c.3639G>T, p.Arg1213Ser (NM_001287247.2); c.2907G>T, p.Arg969Ser (NM_001287248.2); short protein forms R1213S, R1344S, R969S.
Identifiers: ClinVar variation 3480813 (VCV003480813.1).
Genomic context (GRCh38, chr15:90,811,362, plus strand): 5'-CTACTTTGCAAGTAAAACCAGAAATGAAAGGAAGAGGAAAAAGATGCCAGCCTCCCAAAG[G>T]TCTAAGAGGAGAAAAACTGCTTCCAGTGGTTCCAAGGCAAAGGGGTATGTTTTGTGACAT-3'
Protein context (NP_000048.1, residues 1334-1354): RKRKKMPASQ[Arg1344Ser]SKRRKTASSG